The following is an entry in ClinVar:

NM_020435.4(GJC2):c.1229G>A (p.Gly410Asp)

Gene: GJC2 (gap junction protein gamma 2; plus strand). Cytogenetic location: 1q42.13.
Variant type: single nucleotide variant.
Coding change: c.1229G>A on transcript NM_020435.4 (MANE Select); coding-DNA position 1229, G replaced by A.
Protein change: p.Gly410Asp; replaces glycine 410 with aspartic acid.
Molecular consequence: missense variant.
Genome position (GRCh38, 1-based): chr1:228,158,987, G>A. VCF-style: chr1-228158987-G-A. GRCh37 (hg19) VCF-style: chr1-228346688-G-A.
Other names: short protein forms G410D.
Identifiers: ClinVar variation 2037761 (VCV002037761.4), dbSNP rs2527878753, ClinGen allele CA345100804.

ClinVar aggregate classification (germline): Uncertain significance (1 of 4 stars; one submission).

Conditions:
Spastic paraplegia. Identifiers: MedGen C0037772, HP:0001258.

Submission:

Labcorp Genetics (formerly Invitae), Labcorp
Classification: Uncertain significance for Spastic paraplegia. Last evaluated: 2024-10-15. Review status: criteria provided, single submitter. Criteria: Invitae Variant Classification Sherloc (09022015). Collection method: clinical testing. Allele origin: germline.
Comment: This sequence change replaces glycine, which is neutral and non-polar, with aspartic acid, which is acidic and polar, at codon 410 of the GJC2 protein (p.Gly410Asp). This variant is not present in population databases (gnomAD no frequency). This variant has not been reported in the literature in individuals affected with GJC2-related conditions. ClinVar contains an entry for this variant (Variation ID: 2037761). An algorithm developed to predict the effect of missense changes on protein structure and function outputs the following: PolyPhen-2: "Probably Damaging". The aspartic acid amino acid residue is found in multiple mammalian species, which suggests that this missense change does not adversely affect protein function. In summary, the available evidence is currently insufficient to determine the role of this variant in disease. Therefore, it has been classified as a Variant of Uncertain Significance.